The following is an entry in ClinVar:

NM_015721.3(GEMIN4):c.1523G>A (p.Arg508Gln)

Gene: GEMIN4 (gem nuclear organelle associated protein 4; minus strand). Cytogenetic location: 17p13.3.
Variant type: single nucleotide variant.
Coding change: c.1523G>A on transcript NM_015721.3 (MANE Select); coding-DNA position 1523, G replaced by A.
Protein change: p.Arg508Gln; replaces arginine 508 with glutamine.
Molecular consequence: missense variant.
Genome position (GRCh38, 1-based): chr17:746,520, C>T on the plus strand (G>A on the coding strand, the complement: GEMIN4 is on the minus strand). VCF-style: chr17-746520-C-T. GRCh37 (hg19) VCF-style: chr17-649760-C-T.
Other names: short protein forms R508Q.
Identifiers: ClinVar variation 3051179 (VCV003051179.3), dbSNP rs76799274, ClinGen allele CA8262613.
Genomic context (GRCh38, chr17:746,520, plus strand): 5'-GTATTGAGGTCTTCCTGAAAACCCTCCACATAAGCCAGCAACTTTTCAGAGAGGCCCTTT[C>T]GCCCCCAGGAACGCAGGATACCTGCAAGGACTTTATTTTTACCTGGCAGGGAGAGGTCTG-3'
Protein context (NP_056536.2, residues 498-518): VLAGILRSWG[Arg508Gln]KGLSEKLLAY

ClinVar aggregate classification (germline): Uncertain significance. Review status: criteria provided, single submitter (1 of 4 stars). 2 submissions from 2 submitters: Uncertain significance (1). 1 of the submissions does not count toward it. Last evaluated 2025-08-02.

Conditions:
GEMIN4-related disorder. Also called: GEMIN4-related condition.

Allele frequency attached by ClinVar (database versions not stated): gnomAD exomes 0.00027; ExAC 0.00075; ESP Exome Variant Server 0.00149; gnomAD 0.00234; TOPMed 0.00240; 1000 Genomes Project 0.00359; 1000 Genomes Project 30x 0.00422.
gnomAD v4.1: 773 of 1,613,970 alleles (0.048%); highest among the groups gnomAD compares: African/African-American, 0.78%; 4 homozygotes.

Submissions (2):

Ambry Genetics
Classification: Uncertain significance. Last evaluated: 2025-08-02. Review status: criteria provided, single submitter. Criteria: Ambry Variant Classification Scheme 2023. Collection method: clinical testing. Allele origin: germline.

PreventionGenetics, part of Exact Sciences
Classification: Likely benign for GEMIN4-related condition. Last evaluated: 2019-02-21. Review status: no assertion criteria provided. Collection method: clinical testing. Allele origin: germline. Not counted in ClinVar's aggregate classification.
Comment: This variant is classified as likely benign based on ACMG/AMP sequence variant interpretation guidelines (Richards et al. 2015 PMID: 25741868, with internal and published modifications).